The following is an entry in ClinVar:

NM_018060.4(IARS2):c.2070G>A (p.Pro690=)

Gene: IARS2 (isoleucyl-tRNA synthetase 2, mitochondrial; plus strand). Cytogenetic location: 1q41.
Variant type: single nucleotide variant.
Coding change: c.2070G>A on transcript NM_018060.4 (MANE Select); coding-DNA position 2070, G replaced by A.
Protein change: p.Pro690=; no amino-acid change (proline 690 retained).
Molecular consequence: synonymous variant.
Genome position (GRCh38, 1-based): chr1:220,137,938, G>A. VCF-style: chr1-220137938-G-A. GRCh37 (hg19) VCF-style: chr1-220311280-G-A.
Other names: c.2070G>A (NM_018060.3).
Identifiers: ClinVar variation 2166982 (VCV002166982.6), dbSNP rs775353772, ClinGen allele CA1401678.

ClinVar aggregate classification (germline): Likely benign. Review status: criteria provided, single submitter (1 of 4 stars). 2 submissions from 2 submitters: Likely benign (1). 1 of the submissions does not count toward it. Last evaluated 2022-08-21.

Conditions:
IARS2-related disorder. Also called: IARS2-related condition.

Allele frequency attached by ClinVar (database versions not stated): ExAC 0.00001; gnomAD exomes 0.00001.
gnomAD v4.1: 19 of 1,614,108 alleles (0.0012%); highest among the groups gnomAD compares: Admixed American, 0.005%; no homozygotes.

Submissions (2):

Labcorp Genetics (formerly Invitae), Labcorp
Classification: Likely benign. Last evaluated: 2022-08-21. Review status: criteria provided, single submitter. Criteria: Invitae Variant Classification Sherloc (09022015). Collection method: clinical testing. Allele origin: germline.

PreventionGenetics, part of Exact Sciences
Classification: Likely benign for IARS2-related condition. Last evaluated: 2019-06-11. Review status: no assertion criteria provided. Collection method: clinical testing. Allele origin: germline. Not counted in ClinVar's aggregate classification.
Comment: This variant is classified as likely benign based on ACMG/AMP sequence variant interpretation guidelines (Richards et al. 2015 PMID: 25741868, with internal and published modifications).